The following is an entry in ClinVar:

NM_004239.4(TRIP11):c.1107_1108dup (p.Thr370fs)

Gene: TRIP11 (thyroid hormone receptor interactor 11; minus strand). Cytogenetic location: 14q32.12.
Variant type: Duplication.
Coding change: c.1107_1108dup on transcript NM_004239.4 (MANE Select); coding-DNA positions 1107 to 1108, 2 bases duplicated (TA; older notation c.1107_1108dupTA).
Protein change: p.Thr370fs; shifts the reading frame from threonine 370.
Molecular consequence: frameshift variant.
Genome position (GRCh38, 1-based): chr14:92,014,293-92,014,294, TA duplicated on the plus strand (TA on the coding strand, the reverse complement: TRIP11 is on the minus strand); duplicating any 2 consecutive bases within chr14:92,014,293-92,014,295 gives the same sequence; the c. name uses the placement nearest the transcript's 3' end. VCF-style (leftmost placement, unchanged base first): chr14-92014292-G-GTA. GRCh37 (hg19) VCF-style: chr14-92480636-G-GTA.
Other names: c.1104_1105dup, p.Thr369fs (NM_001321851.1); c.1108_1109insTA (NM_004239.4); short protein forms T369fs, T370fs.
Identifiers: ClinVar variation 1338764 (VCV001338764.2), dbSNP rs2140129581, ClinGen allele CA2573053955.

ClinVar aggregate classification (germline): Likely pathogenic (0 of 4 stars; one submission).

Conditions:
Achondrogenesis, type IA (ACG1A). Identifiers: Orphanet 932, Orphanet 93299, MedGen C0265273, MONDO:0008701, OMIM 200600.

Submission:

Institute of Medical Genetics and Genomics, Sir Ganga Ram Hospital
Classification: Likely pathogenic for Achondrogenesis, type IA. Last evaluated: 2022-01-30. Review status: no assertion criteria provided. Collection method: clinical testing. Allele origin: germline. Inheritance: Autosomal recessive inheritance. Affected: yes. Observed: 1 compound heterozygote.
Comment: This novel frameshift insertion variant c.1108_1109insTA (p.T370Ifs*2) is present in compound heterozygous state with another stop gain variant c.526C>T (p.R176X) in TRIP11 gene and has not been observed in gnomAD and 1000g. In-silico bioinformatic software predict this variant by mutation taster as Disease causing. Achondrogenesis Type 1A is an autosomal recessive disorder and can be caused by Homozygous or Compound heterozygous variants. Based on phenotypic overall and identified variant we classify this as likely pathogenic variant.